The following is an entry in ClinVar:

ClinVar aggregate classification (germline): Uncertain significance. Review status: criteria provided, multiple submitters, no conflicts (2 of 4 stars). 2 submissions from 2 submitters: Uncertain significance (2). Last evaluated 2024-10-22.

Conditions:
Inborn genetic diseases. Identifiers: MedGen C0950123, MeSH D030342.
MOGS-congenital disorder of glycosylation. Also called: CDG IIb; GLUCOSIDASE I DEFICIENCY; MOGS-CDG; CDG 2B. Identifiers: Orphanet 79330, MedGen C1853736, MONDO:0011629, OMIM 606056.

Allele frequency attached by ClinVar (database versions not stated): gnomAD 0.00001; gnomAD exomes 0.00001; TOPMed 0.00003.

Submissions (2):

Labcorp Genetics (formerly Invitae), Labcorp
Classification: Uncertain significance for MOGS-congenital disorder of glycosylation. Last evaluated: 2024-10-22. Review status: criteria provided, single submitter. Criteria: Invitae Variant Classification Sherloc (09022015). Collection method: clinical testing. Allele origin: germline.
Comment: This sequence change replaces arginine, which is basic and polar, with histidine, which is basic and polar, at codon 241 of the MOGS protein (p.Arg241His). This variant is present in population databases (no rsID available, gnomAD 0.004%). This variant has not been reported in the literature in individuals affected with MOGS-related conditions. ClinVar contains an entry for this variant (Variation ID: 970055). Invitae Evidence Modeling of protein sequence and biophysical properties (such as structural, functional, and spatial information, amino acid conservation, physicochemical variation, residue mobility, and thermodynamic stability) indicates that this missense variant is not expected to disrupt MOGS protein function with a negative predictive value of 80%. In summary, the available evidence is currently insufficient to determine the role of this variant in disease. Therefore, it has been classified as a Variant of Uncertain Significance.

Ambry Genetics
Classification: Uncertain significance for Inborn genetic diseases. Last evaluated: 2024-05-20. Review status: criteria provided, single submitter. Criteria: Ambry Variant Classification Scheme 2023. Collection method: clinical testing. Allele origin: germline.

NM_006302.3(MOGS):c.722G>A (p.Arg241His)

Gene: MOGS (mannosyl-oligosaccharide glucosidase; minus strand). Cytogenetic location: 2p13.1.
Variant type: single nucleotide variant.
Coding change: c.722G>A on transcript NM_006302.3 (MANE Select); coding-DNA position 722, G replaced by A.
Protein change: p.Arg241His; replaces arginine 241 with histidine.
Molecular consequence: missense variant.
Genome position (GRCh38, 1-based): chr2:74,463,244, C>T on the plus strand (G>A on the coding strand, the complement: MOGS is on the minus strand). VCF-style: chr2-74463244-C-T. GRCh37 (hg19) VCF-style: chr2-74690371-C-T.
Other names: c.404G>A, p.Arg135His (NM_001146158.2); short protein forms R135H, R241H.
Identifiers: ClinVar variation 970055 (VCV000970055.6), dbSNP rs1008354442, ClinGen allele CA50476455.